The following is an entry in ClinVar:

NM_005257.6(GATA6):c.861T>C (p.Ser287=)

Gene: GATA6 (GATA binding protein 6; plus strand). Cytogenetic location: 18q11.2.
Variant type: single nucleotide variant.
Coding change: c.861T>C on transcript NM_005257.6 (MANE Select); coding-DNA position 861, T replaced by C.
Protein change: p.Ser287=; no amino-acid change (serine 287 retained).
Molecular consequence: synonymous variant.
Genome position (GRCh38, 1-based): chr18:22,172,005, T>C. VCF-style: chr18-22172005-T-C. GRCh37 (hg19) VCF-style: chr18-19751966-T-C.
Identifiers: ClinVar variation 3234469 (VCV003234469.20), dbSNP rs2510626414, ClinGen allele CA503529295.

ClinVar aggregate classification (germline): Likely benign (1 of 4 stars; one submission).

Submission:

CeGaT Center for Human Genetics Tuebingen
Classification: Likely benign. Last evaluated: 2024-04-01. Review status: criteria provided, single submitter. Criteria: CeGaT Center For Human Genetics Tuebingen Variant Classification Criteria Version 2. Collection method: clinical testing. Allele origin: germline. Affected: yes. Observed: 1 variant allele.
Comment: GATA6: PM2:Supporting, BP4, BP7